The following is an entry in ClinVar:

ClinVar aggregate classification (germline): Uncertain significance. Review status: criteria provided, multiple submitters, no conflicts (2 of 4 stars). 3 submissions from 3 submitters: Uncertain significance (3). Last evaluated 2025-04-01.

Conditions:
Inborn genetic diseases. Identifiers: MedGen C0950123, MeSH D030342.

Allele frequency attached by ClinVar (database versions not stated): gnomAD exomes below 0.00001 and 0.00002; gnomAD 0.00001; TOPMed 0.00001.
gnomAD v4.1: 24 of 1,613,958 alleles (0.0015%); highest among the groups gnomAD compares: Non-Finnish European, 0.0018%; no homozygotes.

Submissions (3):

Ambry Genetics
Classification: Uncertain significance for Inborn genetic diseases. Last evaluated: 2025-04-01. Review status: criteria provided, single submitter. Criteria: Ambry Variant Classification Scheme 2023. Collection method: clinical testing. Allele origin: germline.

Blueprint Genetics
Classification: Uncertain significance. Last evaluated: 2023-06-08. Review status: criteria provided, single submitter. Criteria: ACMG Guidelines, 2015. Collection method: clinical testing. Allele origin: germline.

Labcorp Genetics (formerly Invitae), Labcorp
Classification: Uncertain significance. Last evaluated: 2022-05-05. Review status: criteria provided, single submitter. Criteria: Invitae Variant Classification Sherloc (09022015). Collection method: clinical testing. Allele origin: germline.
Comment: This sequence change replaces glycine, which is neutral and non-polar, with serine, which is neutral and polar, at codon 1803 of the ABCA4 protein (p.Gly1803Ser). This variant is present in population databases (rs755666756, gnomAD 0.0009%). This variant has not been reported in the literature in individuals affected with ABCA4-related conditions. ClinVar contains an entry for this variant (Variation ID: 959215). Advanced modeling of protein sequence and biophysical properties (such as structural, functional, and spatial information, amino acid conservation, physicochemical variation, residue mobility, and thermodynamic stability) performed at Invitae indicates that this missense variant is expected to disrupt ABCA4 protein function. Algorithms developed to predict the effect of sequence changes on RNA splicing suggest that this variant may create or strengthen a splice site. In summary, the available evidence is currently insufficient to determine the role of this variant in disease. Therefore, it has been classified as a Variant of Uncertain Significance.

NM_000350.3(ABCA4):c.5407G>A (p.Gly1803Ser)

Gene: ABCA4 (ATP binding cassette subfamily A member 4; minus strand). Cytogenetic location: 1p22.1.
Variant type: single nucleotide variant.
Coding change: c.5407G>A on transcript NM_000350.3 (MANE Select); coding-DNA position 5407, G replaced by A.
Protein change: p.Gly1803Ser; replaces glycine 1803 with serine.
Molecular consequence: missense variant.
Genome position (GRCh38, 1-based): chr1:94,014,596, C>T on the plus strand (G>A on the coding strand, the complement: ABCA4 is on the minus strand). VCF-style: chr1-94014596-C-T. GRCh37 (hg19) VCF-style: chr1-94480152-C-T.
Other names: c.5185G>A, p.Gly1729Ser (NM_001425324.1); short protein forms G1803S, G1729S.
Identifiers: ClinVar variation 959215 (VCV000959215.9), dbSNP rs755666756, ClinGen allele CA26842100.